The following is an entry in ClinVar:

ClinVar aggregate classification (germline): Uncertain significance (1 of 4 stars; one submission).

Conditions:
Hereditary cancer-predisposing syndrome. Also called: Tumor predisposition; Neoplastic Syndromes, Hereditary; Hereditary Cancer Syndrome; Hereditary neoplastic syndrome. Identifiers: Orphanet 140162, MedGen C0027672, MeSH D009386, MONDO:0015356.

Submission:

Ambry Genetics
Classification: Uncertain significance for Hereditary cancer-predisposing syndrome. Last evaluated: 2019-06-25. Review status: criteria provided, single submitter. Criteria: Ambry Variant Classification Scheme 2023. Collection method: clinical testing. Allele origin: germline.
Comment: The p.T2573A variant (also known as c.7717A>G), located in coding exon 51 of the ATM gene, results from an A to G substitution at nucleotide position 7717. The threonine at codon 2573 is replaced by alanine, an amino acid with similar properties. This amino acid position is not well conserved in available vertebrate species. In addition, this alteration is predicted to be tolerated by in silico analysis. Since supporting evidence is limited at this time, the clinical significance of this alteration remains unclear.

NM_000051.4(ATM):c.7717A>G (p.Thr2573Ala)

Genes: ATM (ATM serine/threonine kinase; plus strand), C11orf65 (chromosome 11 open reading frame 65; minus strand). Cytogenetic location: 11q22.3.
Variant type: single nucleotide variant.
Coding change: c.7717A>G on transcript NM_000051.4 (MANE Select); coding-DNA position 7717, A replaced by G.
Protein change: p.Thr2573Ala; replaces threonine 2573 with alanine.
Molecular consequence: missense variant. On other transcripts: intron variant (2).
Genome position (GRCh38, 1-based): chr11:108,331,966, A>G. VCF-style: chr11-108331966-A-G. GRCh37 (hg19) VCF-style: chr11-108202693-A-G.
Other names: c.7717A>G, p.Thr2573Ala (NM_001351834.2); c.641-22895T>C (NM_001330368.2); c.*38+3254T>C (NM_001351110.2); short protein forms T2573A.
Identifiers: ClinVar variation 827217 (VCV000827217.6), dbSNP rs1591172139, ClinGen allele CA382561074.